The following is an entry in ClinVar:

ClinVar aggregate classification (germline): Likely benign. Review status: criteria provided, multiple submitters, no conflicts (2 of 4 stars). 4 submissions from 4 submitters: Likely benign (4). Last evaluated 2025-06-12.

Conditions:
Hypogonadotropic hypogonadism 1 with or without anosmia (HH1). Also called: DYSPLASIA OLFACTOGENITALIS OF DE MORSIER; HYPOGONADOTROPIC HYPOGONADISM 1 WITH ANOSMIA; Kallmann syndrome, type 1, X-linked; Hypogonadotropic hypogonadism 1 with or without anosmia (Kallmann syndrome 1); KAL1-Related GnRH Deficiency (Kallmann Syndrome 1; Kallmann Syndrome, X-Linked); HYPOGONADOTROPIC HYPOGONADISM AND ANOSMIA. Identifiers: Orphanet 478, MedGen C1563719, MONDO:0010635, OMIM 308700. Disease mechanism: loss of function.

Allele frequency attached by ClinVar (database versions not stated): ExAC below 0.00001; gnomAD exomes 0.00001 and 0.00002; TOPMed 0.00009; gnomAD 0.00015; 1000 Genomes Project 30x 0.00021.
gnomAD v4.1: 27 of 1,107,527 alleles (0.0024%); highest among the groups gnomAD compares: African/African-American, 0.052%; no homozygotes.

Submissions (4):

Labcorp Genetics (formerly Invitae), Labcorp
Classification: Likely benign for Hypogonadotropic hypogonadism 1 with or without anosmia. Last evaluated: 2025-06-12. Review status: criteria provided, single submitter. Criteria: Invitae Variant Classification Sherloc (09022015). Collection method: clinical testing. Allele origin: germline.

Blueprint Genetics
Classification: Likely benign. Last evaluated: 2024-06-27. Review status: criteria provided, single submitter. Criteria: ACMG Guidelines, 2015. Collection method: clinical testing. Allele origin: germline.

Fulgent Genetics
Classification: Likely benign for Hypogonadotropic hypogonadism 1 with or without anosmia. Last evaluated: 2021-10-08. Review status: criteria provided, single submitter. Criteria: ACMG Guidelines, 2015. Collection method: clinical testing. Allele origin: unknown.

GeneDx
Classification: Likely benign. Last evaluated: 2016-05-18. Review status: criteria provided, single submitter. Criteria: GeneDx Variant Classification (06012015). Collection method: clinical testing. Allele origin: germline. Affected: yes.
Comment: This variant is considered likely benign or benign based on one or more of the following criteria: it is a conservative change, it occurs at a poorly conserved position in the protein, it is predicted to be benign by multiple in silico algorithms, and/or has population frequency not consistent with disease.

NM_000216.4(ANOS1):c.72G>A (p.Ala24=)

Gene: ANOS1 (anosmin 1; minus strand). Cytogenetic location: Xp22.31.
Variant type: single nucleotide variant.
Coding change: c.72G>A on transcript NM_000216.4 (MANE Select); coding-DNA position 72, G replaced by A.
Protein change: p.Ala24=; no amino-acid change (alanine 24 retained).
Molecular consequence: synonymous variant.
Genome position (GRCh38, 1-based): chrX:8,731,965, C>T on the plus strand (G>A on the coding strand, the complement: ANOS1 is on the minus strand). VCF-style: chrX-8731965-C-T. GRCh37 (hg19) VCF-style: chrX-8700006-C-T.
Identifiers: ClinVar variation 386203 (VCV000386203.8), dbSNP rs764457546, ClinGen allele CA10343871.
Genomic context (GRCh38, chrX:8,731,965, plus strand): 5'-GACGCTCCCGGCAGACAGCGACTCGTCCAGCCGCCGCGCAGCAGCCGCGCCGGGGCCGGC[C>T]GCCAGGCAGCCGCTGGAGGCCGCCAGCCAGAGGCAGAGGGTCAGGACCGCGCCGGGCACC-3'
Protein context (NP_000207.2, residues 14-34): LWLAASSGCL[Ala24=]AGPGAAAARR